The following is an entry in ClinVar:

NM_182476.3(COQ6):c.843A>G (p.Leu281=)

Genes: COQ6 (coenzyme Q6, monooxygenase; plus strand), ENTPD5 (ectonucleoside triphosphate diphosphohydrolase 5; minus strand). Cytogenetic location: 14q24.3.
Variant type: single nucleotide variant.
Coding change: c.843A>G on transcript NM_182476.3 (MANE Select); coding-DNA position 843, A replaced by G.
Protein change: p.Leu281=; no amino-acid change (leucine 281 retained).
Molecular consequence: synonymous variant. On other transcripts: 3 prime UTR variant (3), intron variant (4).
Genome position (GRCh38, 1-based): chr14:73,959,474, A>G. VCF-style: chr14-73959474-A-G. GRCh37 (hg19) VCF-style: chr14-74426177-A-G.
Other names: p.Leu281=; c.843A>G, p.Leu281= (NM_001425255.1); c.678A>G, p.Leu226= (NM_001425257.1); c.618A>G, p.Leu206= (NM_001425259.1, NM_001425260.1, NM_001425261.1); c.588A>G, p.Leu196= (NM_001425262.1); c.516A>G, p.Leu172= (NM_001425263.1); c.303A>G, p.Leu101= (NM_001425264.1, NM_001425265.1); c.768A>G, p.Leu256= (NM_182480.3); and 5 more.
Identifiers: ClinVar variation 377743 (VCV000377743.11), dbSNP rs148281229, ClinGen allele CA7264348.
Genomic context (GRCh38, chr14:73,959,474, plus strand): 5'-GCTCTCAGACACCTTGAGTTCCTTGGTTTGGTCCACGTCCCATGAACATGCAGCAGAGCT[A>G]GTTAGCATGGATGAGGAAAAATTTGTGGATGCCGTTAACTCTGCCTTTGTGAGTATCAAT-3'
Protein context (NP_872282.1, residues 271-291): WSTSHEHAAE[Leu281=]VSMDEEKFVD

ClinVar aggregate classification (germline): Benign/Likely benign. Review status: criteria provided, multiple submitters, no conflicts (2 of 4 stars). 4 submissions from 4 submitters: Benign (3); Likely benign (1). Last evaluated 2026-01-02.

Allele frequency attached by ClinVar (database versions not stated): gnomAD exomes 0.00016 and 0.00006; TOPMed 0.00060; 1000 Genomes Project 30x 0.00031; gnomAD 0.00067 and 0.00061; ExAC 0.00018; 1000 Genomes Project 0.00040; ESP Exome Variant Server 0.00062.
gnomAD v4.1: 183 of 1,614,174 alleles (0.011%); highest among the groups gnomAD compares: African/African-American, 0.21%; 1 homozygote.

Submissions (4):

Labcorp Genetics (formerly Invitae), Labcorp
Classification: Benign. Last evaluated: 2026-01-02. Review status: criteria provided, single submitter. Criteria: Invitae Variant Classification Sherloc (09022015). Collection method: clinical testing. Allele origin: germline.

Mayo Clinic Laboratories, Mayo Clinic
Classification: Likely benign. Last evaluated: 2025-03-28. Review status: criteria provided, single submitter. Criteria: ACMG Guidelines, 2015. Collection method: clinical testing. Allele origin: germline. Observed: 3 variant alleles.
Comment: BS1, BP4, BP7

GeneDx
Classification: Benign. Last evaluated: 2015-03-31. Review status: criteria provided, single submitter. Criteria: GeneDx Variant Classification (06012015). Collection method: clinical testing. Allele origin: germline. Affected: yes.
Comment: This variant is considered likely benign or benign based on one or more of the following criteria: it is a conservative change, it occurs at a poorly conserved position in the protein, it is predicted to be benign by multiple in silico algorithms, and/or has population frequency not consistent with disease.

Breakthrough Genomics
Classification: Benign. Review status: criteria provided, single submitter. Criteria: ACMG Guidelines, 2015. Collection method: not provided. Allele origin: germline. Inheritance: Autosomal recessive inheritance. Affected: yes.